The following is an entry in ClinVar:

NM_015272.5(RPGRIP1L):c.2251A>C (p.Lys751Gln)

Gene: RPGRIP1L (RPGRIP1 like; minus strand). Cytogenetic location: 16q12.2.
Variant type: single nucleotide variant.
Coding change: c.2251A>C on transcript NM_015272.5 (MANE Select); coding-DNA position 2251, A replaced by C.
Protein change: p.Lys751Gln; replaces lysine 751 with glutamine.
Molecular consequence: missense variant.
Genome position (GRCh38, 1-based): chr16:53,649,017, T>G on the plus strand (A>C on the coding strand, the complement: RPGRIP1L is on the minus strand). VCF-style: chr16-53649017-T-G. GRCh37 (hg19) VCF-style: chr16-53682929-T-G.
Other names: c.2251A>C, p.Lys751Gln (NM_001127897.4, NM_001308334.3, NM_001330538.2); short protein forms K751Q.
Identifiers: ClinVar variation 4999600 (VCV004999600.1).

ClinVar aggregate classification (germline): Uncertain significance (1 of 4 stars; one submission).

Conditions:
RPGRIP1L-related disorder. Also called: RPGRIP1L-related disorders; RPGRIP1L-related condition. Identifiers: MedGen CN239416.

Submission:

PreventionGenetics, part of Exact Sciences
Classification: Uncertain significance for RPGRIP1L-related condition. Last evaluated: 2025-03-27. Review status: criteria provided, single submitter. Criteria: ACMG Guidelines, 2015. Collection method: clinical testing. Allele origin: germline.
Comment: The RPGRIP1L c.2251A>C variant is predicted to result in the amino acid substitution p.Lys751Gln. To our knowledge, this variant has not been reported in the literature or in a large population database (gnomAD), indicating this variant is rare. At this time, the clinical significance of this variant is uncertain due to the absence of conclusive functional and genetic evidence.